The following is an entry in ClinVar:

ClinVar aggregate classification (germline): Uncertain significance. Review status: criteria provided, multiple submitters, no conflicts (2 of 4 stars). 3 submissions from 3 submitters: Uncertain significance (3). Last evaluated 2024-12-10.

Conditions:
POLD1-related polyposis and colorectal cancer syndrome (CRCS10). Also called: Colorectal cancer, susceptibility to, 10; Colorectal cancer 10; COLORECTAL CANCER, SUSCEPTIBILITY TO, ON CHROMOSOME 19q. Identifiers: Orphanet 220460, MedGen C2675481, MONDO:0012953, OMIM 612591.
Hereditary cancer-predisposing syndrome. Also called: Neoplastic Syndromes, Hereditary; Hereditary neoplastic syndrome; Hereditary Cancer Syndrome; Tumor predisposition. Identifiers: Orphanet 140162, MedGen C0027672, MeSH D009386, MONDO:0015356.
Mandibular hypoplasia-deafness-progeroid syndrome. Also called: Mandibular hypoplasia, deafness, progeroid features, and lipodystrophy syndrome. Identifiers: Orphanet 363649, MedGen C3715192, MONDO:0014157, OMIM 615381.

Allele frequency attached by ClinVar (database versions not stated): TOPMed below 0.00001; gnomAD 0.00001; gnomAD exomes 0.00003.
gnomAD v4.1: 42 of 1,612,464 alleles (0.0026%); highest among the groups gnomAD compares: Non-Finnish European, 0.0036%; no homozygotes.

Submissions (3):

Ambry Genetics
Classification: Uncertain significance for Hereditary cancer-predisposing syndrome. Last evaluated: 2024-12-10. Review status: criteria provided, single submitter. Criteria: Ambry Variant Classification Scheme 2023. Collection method: clinical testing. Allele origin: germline.
Comment: The p.E858D variant (also known as c.2574G>T), located in coding exon 20 of the POLD1 gene, results from a G to T substitution at nucleotide position 2574. The glutamic acid at codon 858 is replaced by aspartic acid, an amino acid with highly similar properties. This amino acid position is poorly conserved in available vertebrate species. In addition, this alteration is predicted to be tolerated by in silico analysis. Based on the available evidence, the clinical significance of this variant remains unclear.

Labcorp Genetics (formerly Invitae), Labcorp
Classification: Uncertain significance for POLD1-related polyposis and colorectal cancer syndrome. Last evaluated: 2024-11-04. Review status: criteria provided, single submitter. Criteria: Invitae Variant Classification Sherloc (09022015). Collection method: clinical testing. Allele origin: germline.
Comment: This sequence change replaces glutamic acid, which is acidic and polar, with aspartic acid, which is acidic and polar, at codon 858 of the POLD1 protein (p.Glu858Asp). This variant is not present in population databases (gnomAD no frequency). This variant has not been reported in the literature in individuals affected with POLD1-related conditions. ClinVar contains an entry for this variant (Variation ID: 408005). Invitae Evidence Modeling of protein sequence and biophysical properties (such as structural, functional, and spatial information, amino acid conservation, physicochemical variation, residue mobility, and thermodynamic stability) indicates that this missense variant is not expected to disrupt POLD1 protein function with a negative predictive value of 80%. In summary, the available evidence is currently insufficient to determine the role of this variant in disease. Therefore, it has been classified as a Variant of Uncertain Significance.

Victorian Clinical Genetics Services, Murdoch Childrens Research Institute
Classification: Uncertain significance for Mandibular hypoplasia-deafness-progeroid syndrome. Last evaluated: 2020-05-21. Review status: criteria provided, single submitter. Criteria: ACMG Guidelines, 2015. Collection method: clinical testing. Allele origin: germline. Inheritance: Autosomal dominant inheritance. Affected: yes.
Comment: A heterozygous missense variant was identified, NM_001256849.1(POLD1):c.2574G>T in exon 21 of 27 of the POLD1 gene. This substitution is predicted to create a minor amino acid change from a glutamic acid to an aspartic acid at position 858 of the protein; NP_001243778.1(POLD1):p.(Glu858Asp). The glutamic acid at this position has low conservation (100 vertebrates, UCSC), but is located within the polymerase active site region (Weedon, M. N. et al. (2013)). In silico software predicts this variant to be tolerated (PolyPhen2, SIFT, CADD, Mutation Taster). The variant is not present in the gnomAD population database. This variant has been previously been reported as a VUS (ClinVar). Based on information available at the time of curation, this variant has been classified as a VUS with LOW CLINICAL RELEVANCE. Legend: (P) - Pathogenic, (N) - Neutral, (B) - Benign

Literature cited by the submitters: PubMed 23770608 (cited by Victorian Clinical Genetics Services, Murdoch Childrens Research Institute).

NM_002691.4(POLD1):c.2574G>T (p.Glu858Asp)

Gene: POLD1 (DNA polymerase delta 1, catalytic subunit; plus strand). Cytogenetic location: 19q13.33.
Variant type: single nucleotide variant.
Coding change: c.2574G>T on transcript NM_002691.4 (MANE Select); coding-DNA position 2574, G replaced by T.
Protein change: p.Glu858Asp; replaces glutamic acid 858 with aspartic acid.
Molecular consequence: missense variant. On other transcripts: non-coding transcript variant (1).
Genome position (GRCh38, 1-based): chr19:50,415,447, G>T. VCF-style: chr19-50415447-G-T. GRCh37 (hg19) VCF-style: chr19-50918704-G-T.
Other names: c.2574G>T, p.Glu858Asp (NM_001256849.1); c.2652G>T, p.Glu884Asp (NM_001308632.1); c.2574G>T (NM_002691.2); short protein forms E884D, E858D.
Identifiers: ClinVar variation 408005 (VCV000408005.10), dbSNP rs1060501820, ClinGen allele CA16616393.